The following is an entry in ClinVar:

ClinVar aggregate classification (germline): Conflicting classifications of pathogenicity. Review status: criteria provided, conflicting classifications (1 of 4 stars). 3 submissions from 3 submitters: Uncertain significance (2); Likely benign (1). Last evaluated 2025-10-08.

Conditions:
Familial cancer of breast. Also called: Hereditary breast cancer; hereditary breast carcinoma; BREAST CANCER, FAMILIAL. Identifiers: Orphanet 227535, MedGen C0346153, MONDO:0016419, OMIM 114480. Disease mechanism: loss of function.
Hereditary cancer-predisposing syndrome. Also called: Hereditary neoplastic syndrome; Neoplastic Syndromes, Hereditary; Tumor predisposition; Hereditary Cancer Syndrome. Identifiers: Orphanet 140162, MedGen C0027672, MeSH D009386, MONDO:0015356.

Allele frequency attached by ClinVar (database versions not stated): gnomAD exomes below 0.00001.
gnomAD v4.1: 3 of 1,614,072 alleles (0.00019%); highest among the groups gnomAD compares: South Asian, 0.0022%; no homozygotes.

Submissions (3):

Ambry Genetics
Classification: Likely benign for Hereditary cancer-predisposing syndrome. Last evaluated: 2025-10-08. Review status: criteria provided, single submitter. Criteria: Ambry Variant Classification Scheme 2023. Collection method: clinical testing. Allele origin: germline.

Labcorp Genetics (formerly Invitae), Labcorp
Classification: Uncertain significance for Familial cancer of breast. Last evaluated: 2022-06-24. Review status: criteria provided, single submitter. Criteria: Invitae Variant Classification Sherloc (09022015). Collection method: clinical testing. Allele origin: germline.
Comment: Algorithms developed to predict the effect of missense changes on protein structure and function are either unavailable or do not agree on the potential impact of this missense change (SIFT: "Tolerated"; PolyPhen-2: "Possibly Damaging"; Align-GVGD: "Class C0"). This sequence change replaces glycine, which is neutral and non-polar, with cysteine, which is neutral and slightly polar, at codon 232 of the PALB2 protein (p.Gly232Cys). This variant is not present in population databases (gnomAD no frequency). This variant has not been reported in the literature in individuals affected with PALB2-related conditions. ClinVar contains an entry for this variant (Variation ID: 946750). In summary, the available evidence is currently insufficient to determine the role of this variant in disease. Therefore, it has been classified as a Variant of Uncertain Significance.

Color Diagnostics, LLC DBA Color Health
Classification: Uncertain significance for Hereditary cancer-predisposing syndrome. Last evaluated: 2022-06-06. Review status: criteria provided, single submitter. Criteria: ACMG Guidelines, 2015. Collection method: clinical testing. Allele origin: germline.
Comment: This missense variant replaces glycine with cysteine at codon 232 of the PALB2 protein. Computational prediction suggests that this variant may not impact protein structure and function (internally defined REVEL score threshold <= 0.5, PMID: 27666373). To our knowledge, functional studies have not been reported for this variant. This variant has not been reported in individuals affected with hereditary cancer in the literature. This variant has not been identified in the general population by the Genome Aggregation Database (gnomAD). The available evidence is insufficient to determine the role of this variant in disease conclusively. Therefore, this variant is classified as a Variant of Uncertain Significance.

NM_024675.4(PALB2):c.694G>T (p.Gly232Cys)

Gene: PALB2 (partner and localizer of BRCA2; minus strand). Cytogenetic location: 16p12.2.
Variant type: single nucleotide variant.
Coding change: c.694G>T on transcript NM_024675.4 (MANE Select); coding-DNA position 694, G replaced by T.
Protein change: p.Gly232Cys; replaces glycine 232 with cysteine.
Molecular consequence: missense variant.
Genome position (GRCh38, 1-based): chr16:23,635,852, C>A on the plus strand (G>T on the coding strand, the complement: PALB2 is on the minus strand). VCF-style: chr16-23635852-C-A. GRCh37 (hg19) VCF-style: chr16-23647173-C-A.
Other names: short protein forms G232C.
Identifiers: ClinVar variation 946750 (VCV000946750.13), dbSNP rs1967028555, ClinGen allele CA395136393.